The following is an entry in ClinVar:

NM_032608.7(MYO18B):c.1889A>T (p.Asp630Val)

Gene: MYO18B (myosin XVIIIB; plus strand). Cytogenetic location: 22q12.1.
Variant type: single nucleotide variant.
Coding change: c.1889A>T on transcript NM_032608.7 (MANE Select); coding-DNA position 1889, A replaced by T.
Protein change: p.Asp630Val; replaces aspartic acid 630 with valine.
Molecular consequence: missense variant.
Genome position (GRCh38, 1-based): chr22:25,777,602, A>T. VCF-style: chr22-25777602-A-T. GRCh37 (hg19) VCF-style: chr22-26173569-A-T.
Other names: c.1889A>T, p.Asp630Val (NM_001318245.2); short protein forms D630V.
Identifiers: ClinVar variation 3025961 (VCV003025961.22), dbSNP rs775272639, ClinGen allele CA10160000.
Genomic context (GRCh38, chr22:25,777,602, plus strand): 5'-GTGGCTGGATGGGATGGCTGATACCTGTGATCTTCCTGCAGGTGCCCAAGGGCCGCCGGG[A>T]TGGCCTGCCTGCCCACATTGGCTCCATGGCACAGCGGGCATACTGGGCGCTGCTGAACCA-3'
Protein context (NP_115997.5, residues 620-640): SAGKVPKGRR[Asp630Val]GLPAHIGSMA

ClinVar aggregate classification (germline): Uncertain significance (1 of 4 stars; one submission).

Allele frequency attached by ClinVar (database versions not stated): ExAC 0.00001; gnomAD exomes 0.00001.
gnomAD v4.1: 7 of 1,597,204 alleles (0.00044%); highest among the groups gnomAD compares: Non-Finnish European, 0.0006%; no homozygotes.

Submission:

CeGaT Center for Human Genetics Tuebingen
Classification: Uncertain significance. Last evaluated: 2024-01-01. Review status: criteria provided, single submitter. Criteria: CeGaT Center For Human Genetics Tuebingen Variant Classification Criteria Version 2. Collection method: clinical testing. Allele origin: germline. Affected: yes. Observed: 1 variant allele.
Comment: MYO18B: PM2, PM3:Supporting